The following is an entry in ClinVar:

ClinVar aggregate classification (germline): Uncertain significance (1 of 4 stars; one submission).

Conditions:
H syndrome. Also called: Histiocytosis with joint contractures and sensorineural deafness; Pigmented hypertrichosis and insulin-dependent diabetes mellitus; FAISALABAD HISTIOCYTOSIS; HISTIOCYTOSIS AND LYMPHADENOPATHY WITH OR WITHOUT CUTANEOUS, CARDIAC, AND/OR ENDOCRINE FEATURES, JOINT CONTRACTURES, AND/OR DEAFNESS; HYPERPIGMENTATION, CUTANEOUS, WITH HYPERTRICHOSIS, HEPATOSPLENOMEGALY, HEART ANOMALIES, AND HYPOGONADISM WITH OR WITHOUT HEARING LOSS; PIGMENTED HYPERTRICHOSIS WITH INSULIN-DEPENDENT DIABETES MELLITUS. Identifiers: Orphanet 168569, MedGen C1864445, MONDO:0011273, OMIM 602782.

Allele frequency attached by ClinVar (database versions not stated): TOPMed 0.00002.
gnomAD v4.1: 18 of 1,613,998 alleles (0.0011%); highest among the groups gnomAD compares: Non-Finnish European, 0.0014%; no homozygotes.

Submission:

Labcorp Genetics (formerly Invitae), Labcorp
Classification: Uncertain significance for H syndrome. Last evaluated: 2024-03-04. Review status: criteria provided, single submitter. Criteria: Invitae Variant Classification Sherloc (09022015). Collection method: clinical testing. Allele origin: germline.
Comment: This sequence change replaces valine, which is neutral and non-polar, with leucine, which is neutral and non-polar, at codon 383 of the SLC29A3 protein (p.Val383Leu). This variant is present in population databases (rs200001297, gnomAD 0.002%). This variant has not been reported in the literature in individuals affected with SLC29A3-related conditions. ClinVar contains an entry for this variant (Variation ID: 1025167). Advanced modeling of protein sequence and biophysical properties (such as structural, functional, and spatial information, amino acid conservation, physicochemical variation, residue mobility, and thermodynamic stability) has been performed at Invitae for this missense variant, however the output from this modeling did not meet the statistical confidence thresholds required to predict the impact of this variant on SLC29A3 protein function. In summary, the available evidence is currently insufficient to determine the role of this variant in disease. Therefore, it has been classified as a Variant of Uncertain Significance.

NM_018344.6(SLC29A3):c.1147G>C (p.Val383Leu)

Gene: SLC29A3 (solute carrier family 29 member 3; plus strand). Cytogenetic location: 10q22.1.
Variant type: single nucleotide variant.
Coding change: c.1147G>C on transcript NM_018344.6 (MANE Select); coding-DNA position 1147, G replaced by C.
Protein change: p.Val383Leu; replaces valine 383 with leucine.
Molecular consequence: missense variant. On other transcripts: 3 prime UTR variant (1), non-coding transcript variant (2).
Genome position (GRCh38, 1-based): chr10:71,362,327, G>C. VCF-style: chr10-71362327-G-C. GRCh37 (hg19) VCF-style: chr10-73122084-G-C.
Other names: c.*376G>C (NM_001174098.2); c.913G>C, p.Val305Leu (NM_001363518.2); short protein forms V305L, V383L.
Identifiers: ClinVar variation 1025167 (VCV001025167.7), dbSNP rs200001297, ClinGen allele CA5543130.
Genomic context (GRCh38, chr10:71,362,327, plus strand): 5'-CGGCAGCTCACCGCCTGGATCCAGGTGCCAGGGCCCAATAGCAAGGCGCTCCCAGGGTTC[G>C]TGCTCCTCCGGACCTGCCTCATCCCCCTCTTCGTGCTCTGTAACTACCAGCCCCGCGTCC-3'
Protein context (NP_060814.4, residues 373-393): GPNSKALPGF[Val383Leu]LLRTCLIPLF